The following is an entry in ClinVar:

ClinVar aggregate classification (germline): Uncertain significance. Review status: criteria provided, multiple submitters, no conflicts (2 of 4 stars). 2 submissions from 2 submitters: Uncertain significance (2). Last evaluated 2025-08-07.

Conditions:
Cystic fibrosis (CF). Also called: MUCOVISCIDOSIS. Identifiers: Orphanet 586, MedGen C0010674, MONDO:0009061, OMIM 219700. Disease mechanism: loss of function.

Allele frequency attached by ClinVar (database versions not stated): TOPMed 0.00001.

Submissions (2):

Ambry Genetics
Classification: Uncertain significance for Cystic fibrosis. Last evaluated: 2025-08-07. Review status: criteria provided, single submitter. Criteria: Ambry Variant Classification Scheme 2023. Collection method: clinical testing. Allele origin: germline.
Comment: The p.I70V variant (also known as c.208A>G), located in coding exon 3 of the CFTR gene, results from an A to G substitution at nucleotide position 208. The isoleucine at codon 70 is replaced by valine, an amino acid with highly similar properties. This amino acid position is conserved. In addition, the in silico prediction for this alteration is inconclusive. Since supporting evidence is limited at this time, the clinical significance of this alteration remains unclear.

Genetics and Genomic Medicine Centre, NeuroGen Healthcare, NeuroGen Healthcare
Classification: Uncertain significance for Cystic fibrosis. Last evaluated: 2025-03-23. Review status: criteria provided, single submitter. Criteria: ACMG Guidelines, 2015. Collection method: clinical testing. Allele origin: unknown. Affected: yes.

NM_000492.4(CFTR):c.208A>G (p.Ile70Val)

Gene: CFTR (CF transmembrane conductance regulator; plus strand). Cytogenetic location: 7q31.2.
Variant type: single nucleotide variant.
Coding change: c.208A>G on transcript NM_000492.4 (MANE Select); coding-DNA position 208, A replaced by G.
Protein change: p.Ile70Val; replaces isoleucine 70 with valine.
Molecular consequence: missense variant.
Genome position (GRCh38, 1-based): chr7:117,509,077, A>G. VCF-style: chr7-117509077-A-G. GRCh37 (hg19) VCF-style: chr7-117149131-A-G.
Other names: short protein forms I70V.
Identifiers: ClinVar variation 1785697 (VCV001785697.5), dbSNP rs1798469508, ClinGen allele CA368972187.